The following is an entry in ClinVar:

ClinVar aggregate classification (germline): Uncertain significance. Review status: criteria provided, multiple submitters, no conflicts (2 of 4 stars). 2 submissions from 2 submitters: Uncertain significance (2). Last evaluated 2025-06-28.

Conditions:
MRAP2-related disorder. Also called: MRAP2-related condition.

gnomAD v4.1: 7 of 1,614,048 alleles (0.00043%); highest among the groups gnomAD compares: Non-Finnish European, 0.00059%; no homozygotes.

Submissions (2):

PreventionGenetics, part of Exact Sciences
Classification: Uncertain significance for MRAP2-related condition. Last evaluated: 2025-06-28. Review status: criteria provided, single submitter. Criteria: ACMG Guidelines, 2015. Collection method: clinical testing. Allele origin: germline.
Comment: The MRAP2 c.295G>A variant is predicted to result in the amino acid substitution p.Glu99Lys. To our knowledge, this variant has not been reported in the literature. This variant is reported in 0.00088% of alleles in individuals of European (Non-Finnish) descent in gnomAD. At this time, the clinical significance of this variant is uncertain due to the absence of conclusive functional and genetic evidence.

Ambry Genetics
Classification: Uncertain significance. Last evaluated: 2022-10-26. Review status: criteria provided, single submitter. Criteria: Ambry Variant Classification Scheme 2023. Collection method: clinical testing. Allele origin: germline.

NM_138409.4(MRAP2):c.295G>A (p.Glu99Lys)

Gene: MRAP2 (melanocortin 2 receptor accessory protein 2; plus strand). Cytogenetic location: 6q14.2.
Variant type: single nucleotide variant.
Coding change: c.295G>A on transcript NM_138409.4 (MANE Select); coding-DNA position 295, G replaced by A.
Protein change: p.Glu99Lys; replaces glutamic acid 99 with lysine.
Molecular consequence: missense variant.
Genome position (GRCh38, 1-based): chr6:84,089,158, G>A. VCF-style: chr6-84089158-G-A. GRCh37 (hg19) VCF-style: chr6-84798877-G-A.
Other names: c.37G>A, p.Glu13Lys (NM_001346541.2); c.295G>A, p.Glu99Lys (NM_001346542.2, NM_001346544.2); c.130G>A, p.Glu44Lys (NM_001346543.2); c.295G>A (NM_138409.3); short protein forms E13K, E44K, E99K.
Identifiers: ClinVar variation 2319530 (VCV002319530.3), dbSNP rs767073139, ClinGen allele CA364868469.